The following is an entry in ClinVar:

ClinVar aggregate classification (germline): Uncertain significance (1 of 4 stars; one submission).

Conditions:
Cardiovascular phenotype. Identifiers: MedGen CN230736.

Submission:

Ambry Genetics
Classification: Uncertain significance for Cardiovascular phenotype. Last evaluated: 2022-05-09. Review status: criteria provided, single submitter. Criteria: Ambry Variant Classification Scheme 2023. Collection method: clinical testing. Allele origin: germline.
Comment: The p.L325M variant (also known as c.973C>A), located in coding exon 4 of the GATA4 gene, results from a C to A substitution at nucleotide position 973. The leucine at codon 325 is replaced by methionine, an amino acid with highly similar properties. This amino acid position is conserved. In addition, the in silico prediction for this alteration is inconclusive. Since supporting evidence is limited at this time, the clinical significance of this alteration remains unclear.

NM_001308093.3(GATA4):c.976C>A (p.Leu326Met)

Gene: GATA4 (GATA binding protein 4). Cytogenetic location: 8p23.1.
Variant type: single nucleotide variant.
Coding change: c.976C>A on transcript NM_001308093.3 (MANE Select); coding-DNA position 976, C replaced by A.
Protein change: p.Leu326Met; replaces leucine 326 with methionine.
Molecular consequence: missense variant.
Genome position (GRCh38, 1-based): chr8:11,755,109, C>A. VCF-style: chr8-11755109-C-A. GRCh37 (hg19) VCF-style: chr8-11612618-C-A.
Other names: c.355C>A, p.Leu119Met (NM_001308094.2, NM_001374273.1); c.229C>A, p.Leu77Met (NM_001374274.1); c.973C>A, p.Leu325Met (NM_002052.5); short protein forms L119M, L325M, L326M, L77M.
Identifiers: ClinVar variation 1768040 (VCV001768040.2), dbSNP rs775993607, ClinGen allele CA370314521.